The following is an entry in ClinVar:

NM_017617.5(NOTCH1):c.2353+13C>T

Gene: NOTCH1 (notch receptor 1; minus strand). Cytogenetic location: 9q34.3.
Variant type: single nucleotide variant.
Coding change: c.2353+13C>T on transcript NM_017617.5 (MANE Select); 13 bases into the intron after coding-DNA position 2353, C replaced by T.
Molecular consequence: intron variant.
Genome position (GRCh38, 1-based): chr9:136,513,379, G>A on the plus strand (C>T on the coding strand, the complement: NOTCH1 is on the minus strand). VCF-style: chr9-136513379-G-A. GRCh37 (hg19) VCF-style: chr9-139407831-G-A.
Other names: c.2353+13C>T (LRG_1122t1).
Identifiers: ClinVar variation 514886 (VCV000514886.11), dbSNP rs200756000, ClinGen allele CA5341405.

ClinVar aggregate classification (germline): Benign/Likely benign. Review status: criteria provided, multiple submitters, no conflicts (2 of 4 stars). 5 submissions from 4 submitters: Benign (1); Likely benign (4). Last evaluated 2025-11-19.

Conditions:
Adams-Oliver syndrome 5 (AOS5). Identifiers: Orphanet 974, MedGen C4014970, MONDO:0014459, OMIM 616028.
Aortic valve disease 1 (AOVD1). Identifiers: MedGen C3887892, MONDO:0024523, OMIM 109730.

Allele frequency attached by ClinVar (database versions not stated): gnomAD exomes 0.00004 and 0.00013; ESP Exome Variant Server 0.00008; ExAC 0.00011; gnomAD 0.00019 and 0.00020; TOPMed 0.00022; 1000 Genomes Project 30x 0.00031; 1000 Genomes Project 0.00040.
gnomAD v4.1: 93 of 1,612,630 alleles (0.0058%); highest among the groups gnomAD compares: Admixed American, 0.038%; 1 homozygote.

Submissions (5):

Labcorp Genetics (formerly Invitae), Labcorp
Classification: Likely benign for Adams-Oliver syndrome 5. Last evaluated: 2025-11-19. Review status: criteria provided, single submitter. Criteria: Invitae Variant Classification Sherloc (09022015). Collection method: clinical testing. Allele origin: germline.

Women's Health and Genetics/Laboratory Corporation of America, LabCorp
Classification: Benign. Last evaluated: 2024-01-22. Review status: criteria provided, single submitter. Criteria: LabCorp Variant Classification Summary - May 2015. Collection method: clinical testing. Allele origin: germline.

Genome-Nilou Lab
Classification: Likely benign for Adams-Oliver syndrome 5. Last evaluated: 2022-03-15. Review status: criteria provided, single submitter. Criteria: ACMG Guidelines, 2015. Collection method: clinical testing. Allele origin: germline. Affected: no.

Genome-Nilou Lab
Classification: Likely benign for Aortic valve disease 1. Last evaluated: 2022-03-15. Review status: criteria provided, single submitter. Criteria: ACMG Guidelines, 2015. Collection method: clinical testing. Allele origin: germline. Affected: no.

GeneDx
Classification: Likely benign. Last evaluated: 2018-01-18. Review status: criteria provided, single submitter. Criteria: GeneDx Variant Classification (06012015). Collection method: clinical testing. Allele origin: germline. Affected: yes.
Comment: This variant is considered likely benign or benign based on one or more of the following criteria: it is a conservative change, it occurs at a poorly conserved position in the protein, it is predicted to be benign by multiple in silico algorithms, and/or has population frequency not consistent with disease.